The following is an entry in ClinVar:

ClinVar aggregate classification (germline): Pathogenic (1 of 4 stars; one submission).

Submission:

Labcorp Genetics (formerly Invitae), Labcorp
Classification: Pathogenic. Last evaluated: 2025-10-23. Review status: criteria provided, single submitter. Criteria: Invitae Variant Classification Sherloc (09022015). Collection method: clinical testing. Allele origin: germline.
Comment: This sequence change creates a premature translational stop signal (p.Ile1631Asnfs*5) in the ARID1B gene. It is expected to result in an absent or disrupted protein product. Loss-of-function variants in ARID1B are known to be pathogenic (PMID: 25674384, 30349098). This variant is not present in population databases (gnomAD no frequency). This variant has not been reported in the literature in individuals affected with ARID1B-related conditions. For these reasons, this variant has been classified as Pathogenic.

Literature cited by the submitters: PubMed 25674384; PubMed 30349098.

NM_001374828.1(ARID1B):c.5260dup (p.Ile1754fs)

Gene: ARID1B (AT-rich interaction domain 1B; plus strand). Cytogenetic location: 6q25.3.
Variant type: Duplication.
Coding change: c.5260dup on transcript NM_001374828.1 (MANE Select); coding-DNA position 5260, one base duplicated (A; older notation c.5260dupA).
Protein change: p.Ile1754fs; shifts the reading frame from isoleucine 1754.
Molecular consequence: frameshift variant.
Genome position (GRCh38, 1-based): chr6:157,201,485, A duplicated. VCF-style (leftmost placement, unchanged base first): chr6-157201484-T-TA. GRCh37 (hg19) VCF-style: chr6-157522618-T-TA.
Other names: c.2761dup, p.Ile921fs (NM_001363725.2); c.5140dup, p.Ile1714fs (NM_001371656.1, NM_001374820.1); c.5389dup, p.Ile1797fs (NM_001438482.1); c.5302dup, p.Ile1768fs (NM_001438483.1); c.5170dup, p.Ile1724fs (NM_001438485.1); c.5143dup, p.Ile1715fs (NM_001438486.1); c.5080dup, p.Ile1694fs (NM_001438487.1); c.2602dup, p.Ile868fs (NM_001438488.1); and 1 more; short protein forms I1701fs, I1714fs, I1694fs, I1724fs, I1797fs, I921fs, I1768fs, I868fs.
Identifiers: ClinVar variation 4729319 (VCV004729319.1).